The following is an entry in ClinVar:

NM_022124.6(CDH23):c.3851C>T (p.Ser1284Leu)

Genes: C10orf105 (chromosome 10 open reading frame 105; minus strand), CDH23 (cadherin related 23; plus strand). Cytogenetic location: 10q22.1.
Variant type: single nucleotide variant.
Coding change: c.3851C>T on transcript NM_022124.6 (MANE Select); coding-DNA position 3851, C replaced by T.
Protein change: p.Ser1284Leu; replaces serine 1284 with leucine.
Molecular consequence: missense variant. On other transcripts: intron variant (1).
Genome position (GRCh38, 1-based): chr10:71,732,122, C>T. VCF-style: chr10-71732122-C-T. GRCh37 (hg19) VCF-style: chr10-73491879-C-T.
Other names: c.3851C>T, p.Ser1284Leu (NM_001171930.2); c.-6+5606G>A (NM_001168390.2); short protein forms S1284L.
Identifiers: ClinVar variation 4540117 (VCV004540117.3).

ClinVar aggregate classification (germline): Uncertain significance. Review status: criteria provided, multiple submitters, no conflicts (2 of 4 stars). 3 submissions from 3 submitters: Uncertain significance (3). Last evaluated 2025-12-24.

Conditions:
Inborn genetic diseases. Identifiers: MedGen C0950123, MeSH D030342.

gnomAD v4.1: 6 of 1,613,890 alleles (0.00037%); highest among the groups gnomAD compares: East Asian, 0.0022%; no homozygotes.

Submissions (3):

Ambry Genetics
Classification: Uncertain significance for Inborn genetic diseases. Last evaluated: 2025-12-24. Review status: criteria provided, single submitter. Criteria: Ambry Variant Classification Scheme 2023. Collection method: clinical testing. Allele origin: germline.

GeneDx
Classification: Uncertain significance. Last evaluated: 2025-06-25. Review status: criteria provided, single submitter. Criteria: GeneDx Variant Classification Process June 2021. Collection method: clinical testing. Allele origin: germline. Affected: yes.
Comment: Not observed at significant frequency in large population cohorts (gnomAD); In silico analysis supports that this missense variant has a deleterious effect on protein structure/function; Has not been previously published as pathogenic or benign to our knowledge

Blueprint Genetics
Classification: Uncertain significance. Last evaluated: 2022-08-02. Review status: criteria provided, single submitter. Criteria: ACMG Guidelines, 2015. Collection method: clinical testing. Allele origin: germline.